The following is an entry in ClinVar:

ClinVar aggregate classification (germline): Uncertain significance (1 of 4 stars; one submission).

Submission:

GeneDx
Classification: Uncertain significance. Last evaluated: 2026-04-13. Review status: criteria provided, single submitter. Criteria: GeneDx Variant Classification Process June 2021. Collection method: clinical testing. Allele origin: germline.
Comment: Not observed at significant frequency in large population cohorts (gnomAD); In silico analysis suggests that this missense variant does not alter protein structure/function; Has not been previously published as pathogenic or benign to our knowledge

NM_002471.4(MYH6):c.5248T>C (p.Cys1750Arg)

Gene: MYH6 (myosin heavy chain 6; minus strand). Cytogenetic location: 14q11.2.
Variant type: single nucleotide variant.
Coding change: c.5248T>C on transcript NM_002471.4 (MANE Select); coding-DNA position 5248, T replaced by C.
Protein change: p.Cys1750Arg; replaces cysteine 1750 with arginine.
Molecular consequence: missense variant.
Genome position (GRCh38, 1-based): chr14:23,384,957, A>G on the plus strand (T>C on the coding strand, the complement: MYH6 is on the minus strand). VCF-style: chr14-23384957-A-G. GRCh37 (hg19) VCF-style: chr14-23854166-A-G.
Other names: short protein forms C1750R.
Identifiers: ClinVar variation 5037136 (VCV005037136.1).